The following is an entry in ClinVar:

NM_014363.6(SACS):c.10705C>T (p.Leu3569Phe)

Gene: SACS (sacsin molecular chaperone; minus strand). Cytogenetic location: 13q12.12.
Variant type: single nucleotide variant.
Coding change: c.10705C>T on transcript NM_014363.6 (MANE Select); coding-DNA position 10705, C replaced by T.
Protein change: p.Leu3569Phe; replaces leucine 3569 with phenylalanine.
Molecular consequence: missense variant.
Genome position (GRCh38, 1-based): chr13:23,333,171, G>A on the plus strand (C>T on the coding strand, the complement: SACS is on the minus strand). VCF-style: chr13-23333171-G-A. GRCh37 (hg19) VCF-style: chr13-23907310-G-A.
Other names: c.10264C>T, p.Leu3422Phe (NM_001278055.2); c.10705C>T (NM_014363.4); short protein forms L3422F, L3569F.
Identifiers: ClinVar variation 883218 (VCV000883218.5), dbSNP rs1883603870, ClinGen allele CA387511600.

ClinVar aggregate classification (germline): Uncertain significance. Review status: criteria provided, multiple submitters, no conflicts (2 of 4 stars). 2 submissions from 2 submitters: Uncertain significance (2). Last evaluated 2024-02-28.

Conditions:
Charlevoix-Saguenay spastic ataxia (SACS). Also called: Spastic ataxia of Charlevoix-Saguenay; SPASTIC ATAXIA 6, AUTOSOMAL RECESSIVE; AUTOSOMAL RECESSIVE SPASTIC ATAXIA OF CHARLEVOIX-SAGUENAY. Identifiers: Orphanet 98, MedGen C1849140, MONDO:0010041, OMIM 270550.

Allele frequency attached by ClinVar (database versions not stated): gnomAD exomes below 0.00001; TOPMed 0.00001.
gnomAD v4.1: 2 of 1,607,252 alleles (0.00012%); highest among the groups gnomAD compares: Non-Finnish European, 0.00017%; no homozygotes.

Submissions (2):

Athena Diagnostics
Classification: Uncertain significance. Last evaluated: 2024-02-28. Review status: criteria provided, single submitter. Criteria: Athena Diagnostics Criteria. Collection method: clinical testing. Allele origin: unknown.
Comment: Available data are insufficient to determine the clinical significance of the variant at this time. This variant has not been reported in large, multi-ethnic general populations. Computational tools predict that this variant is not damaging.

Illumina Laboratory Services, Illumina
Classification: Uncertain significance for Charlevoix-Saguenay spastic ataxia. Last evaluated: 2018-01-13. Review status: criteria provided, single submitter. Criteria: ICSL Variant Classification Criteria 13 December 2019. Collection method: clinical testing. Allele origin: germline.